The following is an entry in ClinVar:

ClinVar aggregate classification (germline): Uncertain significance. Review status: criteria provided, multiple submitters, no conflicts (2 of 4 stars). 4 submissions from 4 submitters: Uncertain significance (4). Last evaluated 2024-09-18.

Conditions:
Muscular dystrophy-dystroglycanopathy (congenital with brain and eye anomalies), type a, 8 (MDDGA8). Also called: WALKER-WARBURG SYNDROME OR MUSCLE-EYE-BRAIN DISEASE, GTDC2-RELATED. Identifiers: Orphanet 899, MedGen C3553813, MONDO:0013904, OMIM 614830.
Inborn genetic diseases. Identifiers: MedGen C0950123, MeSH D030342.

Allele frequency attached by ClinVar (database versions not stated): ExAC 0.00002; gnomAD 0.00007 and 0.00008; TOPMed 0.00008.

Submissions (4):

Ambry Genetics
Classification: Uncertain significance for Inborn genetic diseases. Last evaluated: 2024-09-18. Review status: criteria provided, single submitter. Criteria: Ambry Variant Classification Scheme 2023. Collection method: clinical testing. Allele origin: germline.

Labcorp Genetics (formerly Invitae), Labcorp
Classification: Uncertain significance for Muscular dystrophy-dystroglycanopathy (congenital with brain and eye anomalies), type a, 8. Last evaluated: 2022-09-07. Review status: criteria provided, single submitter. Criteria: Invitae Variant Classification Sherloc (09022015). Collection method: clinical testing. Allele origin: germline.
Comment: This sequence change replaces threonine, which is neutral and polar, with alanine, which is neutral and non-polar, at codon 375 of the POMGNT2 protein (p.Thr375Ala). This variant is present in population databases (rs755833440, gnomAD 0.02%). This variant has not been reported in the literature in individuals affected with POMGNT2-related conditions. ClinVar contains an entry for this variant (Variation ID: 649744). Algorithms developed to predict the effect of missense changes on protein structure and function are either unavailable or do not agree on the potential impact of this missense change (SIFT: "Deleterious"; PolyPhen-2: "Possibly Damaging"; Align-GVGD: "Class C0"). In summary, the available evidence is currently insufficient to determine the role of this variant in disease. Therefore, it has been classified as a Variant of Uncertain Significance.

Revvity Omics, Revvity
Classification: Uncertain significance. Last evaluated: 2021-09-02. Review status: criteria provided, single submitter. Criteria: ACMG Guidelines, 2015. Collection method: clinical testing. Allele origin: germline.

GeneDx
Classification: Uncertain significance. Last evaluated: 2019-12-23. Review status: criteria provided, single submitter. Criteria: GeneDx Variant Classification Process June 2021. Collection method: clinical testing. Allele origin: germline. Affected: yes.
Comment: In silico analysis, which includes protein predictors and evolutionary conservation, supports that this variant does not alter protein structure/function; Has not been previously published as pathogenic or benign to our knowledge

NM_032806.6(POMGNT2):c.1123A>G (p.Thr375Ala)

Gene: POMGNT2 (protein O-linked mannose N-acetylglucosaminyltransferase 2 (beta 1,4-); minus strand). Cytogenetic location: 3p22.1.
Variant type: single nucleotide variant.
Coding change: c.1123A>G on transcript NM_032806.6 (MANE Select); coding-DNA position 1123, A replaced by G.
Protein change: p.Thr375Ala; replaces threonine 375 with alanine.
Molecular consequence: missense variant.
Genome position (GRCh38, 1-based): chr3:43,080,309, T>C on the plus strand (A>G on the coding strand, the complement: POMGNT2 is on the minus strand). VCF-style: chr3-43080309-T-C. GRCh37 (hg19) VCF-style: chr3-43121801-T-C.
Other names: c.1123A>G (NM_032806.4); short protein forms T375A.
Identifiers: ClinVar variation 649744 (VCV000649744.7), dbSNP rs755833440, ClinGen allele CA2339925.